The following is an entry in ClinVar:

NM_000051.4(ATM):c.3198A>C (p.Lys1066Asn)

Gene: ATM (ATM serine/threonine kinase; plus strand). Cytogenetic location: 11q22.3.
Variant type: single nucleotide variant.
Coding change: c.3198A>C on transcript NM_000051.4 (MANE Select); coding-DNA position 3198, A replaced by C.
Protein change: p.Lys1066Asn; replaces lysine 1066 with asparagine.
Molecular consequence: missense variant.
Genome position (GRCh38, 1-based): chr11:108,272,766, A>C. VCF-style: chr11-108272766-A-C. GRCh37 (hg19) VCF-style: chr11-108143493-A-C.
Other names: c.3198A>C, p.Lys1066Asn (NM_001351834.2); short protein forms K1066N.
Identifiers: ClinVar variation 657811 (VCV000657811.8), dbSNP rs1591609637, ClinGen allele CA382515733.

ClinVar aggregate classification (germline): Uncertain significance (1 of 4 stars; one submission).

Conditions:
Ataxia-telangiectasia syndrome (AT). Also called: ATAXIA-TELANGIECTASIA, FRESNO VARIANT; Ataxia-telangiectasia, complementation group D; Cerebello-oculocutaneous telangiectasia; Immunodeficiency with ataxia telangiectasia; Ataxia-telangiectasia; Ataxia telangiectasia (A-T). Identifiers: Orphanet 100, MedGen C0004135, MONDO:0008840, OMIM 208900.

Submission:

Labcorp Genetics (formerly Invitae), Labcorp
Classification: Uncertain significance for Ataxia-telangiectasia syndrome. Last evaluated: 2018-08-25. Review status: criteria provided, single submitter. Criteria: Invitae Variant Classification Sherloc (09022015). Collection method: clinical testing. Allele origin: germline.
Comment: In summary, the available evidence is currently insufficient to determine the role of this variant in disease. Therefore, it has been classified as a Variant of Uncertain Significance. Algorithms developed to predict the effect of missense changes on protein structure and function (SIFT, PolyPhen-2, Align-GVGD) all suggest that this variant is likely to be tolerated, but these predictions have not been confirmed by published functional studies and their clinical significance is uncertain. This variant has not been reported in the literature in individuals with ATM-related disease. This variant is not present in population databases (ExAC no frequency). This sequence change replaces lysine with asparagine at codon 1066 of the ATM protein (p.Lys1066Asn). The lysine residue is weakly conserved and there is a moderate physicochemical difference between lysine and asparagine.